The following is an entry in ClinVar:

ClinVar aggregate classification (germline): Likely benign. Review status: criteria provided, multiple submitters, no conflicts (2 of 4 stars). 2 submissions from 2 submitters: Likely benign (2). Last evaluated 2026-01-05.

Conditions:
KIF11-related disorder. Also called: KIF11-related condition.

gnomAD v4.1: 1 of 1,607,756 alleles (0.000062%); no homozygotes.

Submissions (2):

Labcorp Genetics (formerly Invitae), Labcorp
Classification: Likely benign. Last evaluated: 2026-01-05. Review status: criteria provided, single submitter. Criteria: Invitae Variant Classification Sherloc (09022015). Collection method: clinical testing. Allele origin: germline.

PreventionGenetics, part of Exact Sciences
Classification: Likely benign for KIF11-related condition. Last evaluated: 2025-11-23. Review status: criteria provided, single submitter. Criteria: ACMG Guidelines, 2015. Collection method: clinical testing. Allele origin: germline.
Comment: This variant is classified as likely benign based on ACMG/AMP sequence variant interpretation guidelines (Richards et al. 2015 PMID: 25741868, with internal and published modifications).

NM_004523.4(KIF11):c.117A>G (p.Ser39=)

Gene: KIF11 (kinesin family member 11; plus strand). Cytogenetic location: 10q23.33.
Variant type: single nucleotide variant.
Coding change: c.117A>G on transcript NM_004523.4 (MANE Select); coding-DNA position 117, A replaced by G.
Protein change: p.Ser39=; no amino-acid change (serine 39 retained).
Molecular consequence: synonymous variant.
Genome position (GRCh38, 1-based): chr10:92,606,304, A>G. VCF-style: chr10-92606304-A-G. GRCh37 (hg19) VCF-style: chr10-94366061-A-G.
Identifiers: ClinVar variation 720818 (VCV000720818.10), dbSNP rs1589590199, ClinGen allele CA470982505.
Genomic context (GRCh38, chr10:92,606,304, plus strand): 5'-TTTGTGTATTTCTTTTTATAGACCATTTAATTTGGCAGAGCGGAAAGCTAGCGCCCATTC[A>G]ATAGTAGAATGTGATCCTGTACGAAAAGAAGTTAGTGTACGAACTGGAGGATTGGCTGAC-3'
Protein context (NP_004514.2, residues 29-49): NLAERKASAH[Ser39=]IVECDPVRKE